The following is an entry in ClinVar:

NM_000574.5(CD55):c.295G>A (p.Glu99Lys)

Gene: CD55 (CD55 molecule (Cromer blood group); plus strand). Cytogenetic location: 1q32.2.
Variant type: single nucleotide variant.
Coding change: c.295G>A on transcript NM_000574.5 (MANE Select); coding-DNA position 295, G replaced by A.
Protein change: p.Glu99Lys; replaces glutamic acid 99 with lysine.
Molecular consequence: missense variant. On other transcripts: non-coding transcript variant (1).
Genome position (GRCh38, 1-based): chr1:207,324,567, G>A. VCF-style: chr1-207324567-G-A. GRCh37 (hg19) VCF-style: chr1-207497912-G-A.
Other names: c.295G>A, p.Glu99Lys (NM_001114752.3, NM_001300902.2, NM_001300903.2 and 1 more transcripts); short protein forms E99K.
Identifiers: ClinVar variation 1403589 (VCV001403589.6), dbSNP rs570869398, ClinGen allele CA1367958.

ClinVar aggregate classification (germline): Uncertain significance (1 of 4 stars; one submission).

Allele frequency attached by ClinVar (database versions not stated): TOPMed 0.00001; gnomAD 0.00002 and 0.00003; gnomAD exomes 0.00003 and 0.00006; ExAC 0.00007; 1000 Genomes Project 30x 0.00016; 1000 Genomes Project 0.00020.
gnomAD v4.1: 41 of 1,549,536 alleles (0.0026%); highest among the groups gnomAD compares: South Asian, 0.041%; no homozygotes.

Submission:

Labcorp Genetics (formerly Invitae), Labcorp
Classification: Uncertain significance. Last evaluated: 2021-10-24. Review status: criteria provided, single submitter. Criteria: Invitae Variant Classification Sherloc (09022015). Collection method: clinical testing. Allele origin: germline.
Comment: In summary, the available evidence is currently insufficient to determine the role of this variant in disease. Therefore, it has been classified as a Variant of Uncertain Significance. Algorithms developed to predict the effect of missense changes on protein structure and function (SIFT, PolyPhen-2, Align-GVGD) all suggest that this variant is likely to be tolerated. This variant has not been reported in the literature in individuals affected with CD55-related conditions. This variant is present in population databases (rs570869398, ExAC 0.05%). This sequence change replaces glutamic acid with lysine at codon 99 of the CD55 protein (p.Glu99Lys). The glutamic acid residue is weakly conserved and there is a small physicochemical difference between glutamic acid and lysine.